The following is an entry in ClinVar:

ClinVar aggregate classification (germline): Likely pathogenic (1 of 4 stars; one submission).

Conditions:
Brain small vessel disease 1 with or without ocular anomalies (BSVD1). Also called: Brain small vessel disease with or without ocular anomalies; PORENCEPHALY, TYPE 1, AUTOSOMAL DOMINANT; GOULD SYNDROME 1; BRAIN SMALL VESSEL DISEASE WITH HEMORRHAGE. Identifiers: Orphanet 2940, Orphanet 36383, Orphanet 99810, MedGen C4755307, MONDO:0008289, OMIM 175780.

Submission:

Laboratory of Medical Genetics, National & Kapodistrian University of Athens
Classification: Likely pathogenic for Brain small vessel disease 1 with or without ocular anomalies. Last evaluated: 2018-05-07. Review status: criteria provided, single submitter. Criteria: ACMG Guidelines, 2015. Collection method: clinical testing. Allele origin: de novo. Affected: yes.
Comment: PS2, PM2,PP2,PP3

NM_001845.6(COL4A1):c.2185G>C (p.Gly729Arg)

Gene: COL4A1 (collagen type IV alpha 1 chain; minus strand). Cytogenetic location: 13q34.
Variant type: single nucleotide variant.
Coding change: c.2185G>C on transcript NM_001845.6 (MANE Select); coding-DNA position 2185, G replaced by C.
Protein change: p.Gly729Arg; replaces glycine 729 with arginine.
Molecular consequence: missense variant.
Genome position (GRCh38, 1-based): chr13:110,181,300, C>G on the plus strand (G>C on the coding strand, the complement: COL4A1 is on the minus strand). VCF-style: chr13-110181300-C-G. GRCh37 (hg19) VCF-style: chr13-110833647-C-G.
Other names: short protein forms G729R.
Identifiers: ClinVar variation 637033 (VCV000637033.3), dbSNP rs1594555106, ClinGen allele CA388668850.